The following is an entry in ClinVar:

ClinVar aggregate classification (germline): Uncertain significance (1 of 4 stars; one submission).

Conditions:
Primary ciliary dyskinesia. Also called: Ciliary dyskinesia. Identifiers: Orphanet 244, MedGen C0008780, MONDO:0016575, HP:0012265.

Allele frequency attached by ClinVar (database versions not stated): gnomAD exomes below 0.00001.
gnomAD v4.1: 1 of 1,614,226 alleles (0.000062%); highest among the groups gnomAD compares: Non-Finnish European, 0.000085%; no homozygotes.

Submission:

Labcorp Genetics (formerly Invitae), Labcorp
Classification: Uncertain significance for Primary ciliary dyskinesia. Last evaluated: 2022-08-08. Review status: criteria provided, single submitter. Criteria: Invitae Variant Classification Sherloc (09022015). Collection method: clinical testing. Allele origin: germline.
Comment: In summary, the available evidence is currently insufficient to determine the role of this variant in disease. Therefore, it has been classified as a Variant of Uncertain Significance. Algorithms developed to predict the effect of missense changes on protein structure and function are either unavailable or do not agree on the potential impact of this missense change (SIFT: "Deleterious"; PolyPhen-2: "Probably Damaging"; Align-GVGD: "Class C0"). This variant has not been reported in the literature in individuals affected with RSPH4A-related conditions. This variant is not present in population databases (gnomAD no frequency). This sequence change replaces tyrosine, which is neutral and polar, with asparagine, which is neutral and polar, at codon 321 of the RSPH4A protein (p.Tyr321Asn).

NM_001010892.3(RSPH4A):c.961T>A (p.Tyr321Asn)

Gene: RSPH4A (radial spoke head component 4A; plus strand). Cytogenetic location: 6q22.1.
Variant type: single nucleotide variant.
Coding change: c.961T>A on transcript NM_001010892.3 (MANE Select); coding-DNA position 961, T replaced by A.
Protein change: p.Tyr321Asn; replaces tyrosine 321 with asparagine.
Molecular consequence: missense variant.
Genome position (GRCh38, 1-based): chr6:116,627,668, T>A. VCF-style: chr6-116627668-T-A. GRCh37 (hg19) VCF-style: chr6-116948831-T-A.
Other names: c.961T>A, p.Tyr321Asn (NM_001161664.2); short protein forms Y321N.
Identifiers: ClinVar variation 1715473 (VCV001715473.6), dbSNP rs2482802418, ClinGen allele CA365403078.